The following is an entry in ClinVar:

ClinVar aggregate classification (germline): Uncertain significance (1 of 4 stars; one submission).

Conditions:
Cerebral folate transport deficiency. Also called: FOLR1-Related Cerebral Folate Transport Deficiency; Neurodegenerative syndrome due to cerebral folate transport deficiency; FOLATE RECEPTOR DEFICIENCY; NEURODEGENERATION DUE TO CEREBRAL FOLATE TRANSPORT DEFICIENCY; Cerebral folate deficiency syndrome. Identifiers: Orphanet 217382, MedGen C2751584, MONDO:0013110, OMIM 613068. Disease mechanism: loss of function.

Allele frequency attached by ClinVar (database versions not stated): gnomAD exomes below 0.00001.

Submission:

Labcorp Genetics (formerly Invitae), Labcorp
Classification: Uncertain significance for Cerebral folate transport deficiency. Last evaluated: 2022-07-19. Review status: criteria provided, single submitter. Criteria: Invitae Variant Classification Sherloc (09022015). Collection method: clinical testing. Allele origin: germline.
Comment: In summary, the available evidence is currently insufficient to determine the role of this variant in disease. Therefore, it has been classified as a Variant of Uncertain Significance. Algorithms developed to predict the effect of missense changes on protein structure and function are either unavailable or do not agree on the potential impact of this missense change (SIFT: "Deleterious"; PolyPhen-2: "Probably Damaging"; Align-GVGD: "Class C0"). ClinVar contains an entry for this variant (Variation ID: 1352917). This variant has not been reported in the literature in individuals affected with FOLR1-related conditions. This variant is present in population databases (no rsID available, gnomAD 0.007%). This sequence change replaces proline, which is neutral and non-polar, with arginine, which is basic and polar, at codon 59 of the FOLR1 protein (p.Pro59Arg).

NM_016729.3(FOLR1):c.176C>G (p.Pro59Arg)

Genes: FOLR1 (folate receptor alpha; plus strand), FOLR1-AS1 (FOLR1 antisense RNA 1; minus strand). Cytogenetic location: 11q13.4.
Variant type: single nucleotide variant.
Coding change: c.176C>G on transcript NM_016729.3 (MANE Select); coding-DNA position 176, C replaced by G.
Protein change: p.Pro59Arg; replaces proline 59 with arginine.
Molecular consequence: missense variant.
Genome position (GRCh38, 1-based): chr11:72,195,278, C>G. VCF-style: chr11-72195278-C-G. GRCh37 (hg19) VCF-style: chr11-71906322-C-G.
Other names: c.176C>G, p.Pro59Arg (NM_000802.3, NM_016724.3, NM_016725.3); short protein forms P59R.
Identifiers: ClinVar variation 1352917 (VCV001352917.8), dbSNP rs1275551543, ClinGen allele CA381731608.
Genomic context (GRCh38, chr11:72,195,278, plus strand): 5'-GCTGTGCTGGCTGTGCTGGCTGTGGACTGAGTCCTCTGTCTTCCCCCATCCAGTGTCGAC[C>G]CTGGAGGAAGAATGCCTGCTGTTCTACCAACACCAGCCAGGAAGCCCATAAGGATGTTTC-3'
Protein context (NP_057941.1, residues 49-69): PEDKLHEQCR[Pro59Arg]WRKNACCSTN